The following is an entry in ClinVar:

NM_001267550.2(TTN):c.90104G>A (p.Arg30035His)

Genes: TTN (titin; minus strand), TTN-AS1 (TTN antisense RNA 1; plus strand). Cytogenetic location: 2q31.2.
Variant type: single nucleotide variant.
Coding change: c.90104G>A on transcript NM_001267550.2 (MANE Select); coding-DNA position 90104, G replaced by A.
Protein change: p.Arg30035His; replaces arginine 30035 with histidine.
Molecular consequence: missense variant.
Genome position (GRCh38, 1-based): chr2:178,552,796, C>T on the plus strand (G>A on the coding strand, the complement: TTN is on the minus strand). VCF-style: chr2-178552796-C-T. GRCh37 (hg19) VCF-style: chr2-179417523-C-T.
Other names: p.R28394H:CGT>CAT; p.Arg28394His; c.85181G>A, p.Arg28394His (NM_001256850.1); c.62909G>A, p.Arg20970His (NM_003319.4); c.82400G>A, p.Arg27467His (NM_133378.4); c.63284G>A, p.Arg21095His (NM_133432.3); c.63485G>A, p.Arg21162His (NM_133437.4); short protein forms R28394H, R30035H, R20970H, R21095H, R27467H, R21162H.
Identifiers: ClinVar variation 202963 (VCV000202963.8), dbSNP rs199895320, ClinGen allele CA310825.
Genomic context (GRCh38, chr2:178,552,796, plus strand): 5'-TCAGGTTTGGTCCAGCTGAGGATGACAGATGTCTTTGTTGAGTCTTTCATTGAGAGATCA[C>T]GTATAGGAGCTGGTACTTCAGCAGCCTTCACTGGCTCTGTAGTTTCACAGGGTTCCCCAA-3'
Protein context (NP_001254479.2, residues 30025-30045): VKAAEVPAPI[Arg30035His]DLSMKDSTKT

ClinVar aggregate classification (germline): Uncertain significance. Review status: criteria provided, multiple submitters, no conflicts (2 of 4 stars). 5 submissions from 5 submitters: Uncertain significance (4). 1 of the submissions does not count toward it. Last evaluated 2026-06-08.

Conditions:
TTN-related disorder. Also called: TTN-related condition; TTN-related disease; TTN-related disorders.
Dilated cardiomyopathy 1G (CMD1G). Identifiers: Orphanet 154, MedGen C1858763, MONDO:0011400, OMIM 604145.
Autosomal recessive limb-girdle muscular dystrophy type 2J (LGMDR10). Also called: Limb-girdle muscular dystrophy, type 2J; MUSCULAR DYSTROPHY, LIMB-GIRDLE, AUTOSOMAL RECESSIVE 10. Identifiers: Orphanet 140922, MedGen C1837342, MONDO:0012127, OMIM 608807.

Allele frequency attached by ClinVar (database versions not stated): ExAC 0.00002; gnomAD exomes 0.00003 and 0.00004; TOPMed 0.00007; gnomAD 0.00010.
gnomAD v4.1: 78 of 1,613,860 alleles (0.0048%); highest among the groups gnomAD compares: Middle Eastern, 0.017%; no homozygotes.

Submissions (5):

PreventionGenetics, part of Exact Sciences
Classification: Uncertain significance for TTN-related condition. Last evaluated: 2026-06-08. Review status: criteria provided, single submitter. Criteria: ACMG Guidelines, 2015. Collection method: clinical testing. Allele origin: germline.
Comment: The TTN c.90104G>A variant is predicted to result in the amino acid substitution p.Arg30035His. To our knowledge, this variant has not been reported in the literature. This variant is reported in 0.0078% of alleles in individuals of European (Non-Finnish) descent in gnomAD. At this time, the clinical significance of this variant is uncertain due to the absence of conclusive functional and genetic evidence.

Mayo Clinic Laboratories, Mayo Clinic
Classification: Uncertain significance. Last evaluated: 2025-02-01. Review status: criteria provided, single submitter. Criteria: ACMG Guidelines, 2015. Collection method: clinical testing. Allele origin: germline. Observed: 1 variant allele.

Revvity Omics, Revvity
Classification: Uncertain significance. Last evaluated: 2019-12-19. Review status: criteria provided, single submitter. Criteria: ACMG Guidelines, 2015. Collection method: clinical testing. Allele origin: germline.

Labcorp Genetics (formerly Invitae), Labcorp
Classification: Uncertain significance for Dilated cardiomyopathy 1G; Autosomal recessive limb-girdle muscular dystrophy type 2J. Last evaluated: 2017-11-18. Review status: criteria provided, single submitter. Criteria: Invitae Variant Classification Sherloc (09022015). Collection method: clinical testing. Allele origin: germline.

GeneDx
No classification provided. Last evaluated: 2013-08-05. Review status: no classification provided. Criteria: GeneDx Variant Classification (06012015). Collection method: clinical testing. Allele origin: germline. Affected: yes. Not counted in ClinVar's aggregate classification.
Comment: Missense variants in the TTN gene are considered 'unclassified' if they are not previously reported in the literature and do not have >1% frequency in the population to be considered a polymorphism. Research indicates that truncating mutations in the TTN gene are expected to account for approximately 25% of familial and 18% of sporadic idiopathic DCM; however, truncating variants in the TTN gene have been reported in approximately 3% of reported control alleles. There has been little investigation into non-truncating variants. (Herman D et al. Truncations of titin causing dilated cardiomyopathy. N Eng J Med 366:619-628, 2012) The variant is found in DCM panel(s).